The following is an entry in ClinVar:

NM_020163.3(SEMA3G):c.1998G>A (p.Val666=)

Gene: SEMA3G (semaphorin 3G; minus strand). Cytogenetic location: 3p21.1.
Variant type: single nucleotide variant.
Coding change: c.1998G>A on transcript NM_020163.3 (MANE Select); coding-DNA position 1998, G replaced by A.
Protein change: p.Val666=; no amino-acid change (valine 666 retained).
Molecular consequence: synonymous variant.
Genome position (GRCh38, 1-based): chr3:52,435,954, C>T on the plus strand (G>A on the coding strand, the complement: SEMA3G is on the minus strand). VCF-style: chr3-52435954-C-T. GRCh37 (hg19) VCF-style: chr3-52469970-C-T.
Identifiers: ClinVar variation 4982371 (VCV004982371.1).
Genomic context (GRCh38, chr3:52,435,954, plus strand): 5'-CTCCGGAGGGAACAGGTTGTCCAGCTGTGAGGCCACAATCACCACCAGAGCCAGGCGGAC[C>T]ACAGTCTGGGAGAAGCCATGCTCCAGAGTGGTGCAGGTGTAGGTGCCCGCATCGAAACGG-3'
Protein context (NP_064548.1, residues 656-676): TTLEHGFSQT[Val666=]VRLALVVIVA

ClinVar aggregate classification (germline): Likely benign (1 of 4 stars; one submission).

Conditions:
SEMA3G-related disorder. Also called: SEMA3G-related condition.

Submission:

PreventionGenetics, part of Exact Sciences
Classification: Likely benign for SEMA3G-related condition. Last evaluated: 2025-03-29. Review status: criteria provided, single submitter. Criteria: ACMG Guidelines, 2015. Collection method: clinical testing. Allele origin: germline.
Comment: This variant is classified as likely benign based on ACMG/AMP sequence variant interpretation guidelines (Richards et al. 2015 PMID: 25741868, with internal and published modifications).